The following is an entry in ClinVar:

NM_015865.7(SLC14A1):c.-22+2360C>A

Gene: SLC14A1 (solute carrier family 14 member 1 (Kidd blood group); plus strand). Cytogenetic location: 18q12.3.
Variant type: single nucleotide variant.
Coding change: c.-22+2360C>A on transcript NM_015865.7 (MANE Select); 2360 bases into the intron after 22 bases upstream of the start codon, C replaced by A.
Molecular consequence: intron variant. On other transcripts: synonymous variant (2), 5 prime UTR variant (1).
Genome position (GRCh38, 1-based): chr18:45,727,373, C>A. VCF-style: chr18-45727373-C-A. GRCh37 (hg19) VCF-style: chr18-43307338-C-A.
Other names: c.102C>A, p.Gly34= (NM_001128588.4, NM_001146037.1); c.-67C>A (NM_001146036.3); c.-165+2360C>A (NM_001308278.2); c.-56+2360C>A (NM_001308279.2).
Identifiers: ClinVar variation 3059256 (VCV003059256.2), dbSNP rs11877086, ClinGen allele CA8947221.
Genomic context (GRCh38, chr18:45,727,373, plus strand): 5'-TCATGGTCCTGTTTGGAAGGACCCTTTTGGAACTAAAGCTGGTGACGCAGCGCGCAGAGG[C>A]ATCGCCCGGCTAAGCTTGGCCCTGGCAGATGGGTCGCAGGAACAGGTATGCTTCCTTCGT-3'

ClinVar aggregate classification (germline): Benign (0 of 4 stars; one submission).

Conditions:
SLC14A1-related disorder. Also called: SLC14A1-related condition.

Allele frequency attached by ClinVar (database versions not stated): 1000 Genomes Project 30x 0.39850; 1000 Genomes Project 0.40256; ESP Exome Variant Server 0.40648; TOPMed 0.40816; gnomAD 0.41475; ExAC 0.43292.
gnomAD v4.1: 736,011 of 1,550,130 alleles (47%); highest among the groups gnomAD compares: East Asian, 54%; 177,838 homozygotes.

Submission:

PreventionGenetics, part of Exact Sciences
Classification: Benign for SLC14A1-related condition. Last evaluated: 2019-10-17. Review status: no assertion criteria provided. Collection method: clinical testing. Allele origin: germline.
Comment: This variant is classified as benign based on ACMG/AMP sequence variant interpretation guidelines (Richards et al. 2015 PMID: 25741868, with internal and published modifications).